The following is an entry in ClinVar:

ClinVar aggregate classification (germline): Likely pathogenic (1 of 4 stars; one submission).

Conditions:
Autosomal dominant nonsyndromic hearing loss 22. Also called: DFNA 22; Autosomal dominant nonsyndromic deafness 22. Identifiers: Orphanet 228012, MedGen C2931767, MONDO:0011660, OMIM 606346.

Submission:

Laboratory of Molecular, Cellular and Translation Genetics in Otolaryngology/ Lim32-hcfmusp, University of Sao Paulo School of Medicine Clinics Hospital
Classification: Likely pathogenic for Autosomal dominant nonsyndromic hearing loss 22. Last evaluated: 2026-04-30. Review status: criteria provided, single submitter. Criteria: ClinGen HL ACMG Specifications v1. Collection method: research. Allele origin: germline. Affected: yes.
Comment: NC_000006.11(NM_004999.4):c.3441_*8694del. This copy number variant has been classified as likely pathogenic. It is absent from population databases (PM2) and encompasses protein-coding and functionally relevant genomic elements (ClinGen CNV scoring category 1A). The deletion partially overlaps the 3′ end of genes within the affected region, including MYO6 and IMPG1, without involving their full coding sequences. This pattern is consistent with partial overlap of genes with potential dosage sensitivity (ClinGen CNV scoring category 2D, +0.90). Although the deletion does not fully encompass a well-established haploinsufficient region or critical gene, several metrics support a potential dosage effect, including a DECIPHER HI score of 7.36 and moderate evidence of loss-of-function constraint (o/e LOF upper bound). In contrast, the pLI score suggests tolerance, highlighting uncertainty regarding dosage sensitivity in this region. Overall, these findings support the classification of this variant as likely pathogenic. However, the precise contribution of this CNV to the phenotype requires cautious interpretation given the partial gene involvement.

Literature cited by the submitters: PubMed 42233699.

NC_000006.12:g.75914064_75923706del

Genes: IMPG1 (interphotoreceptor matrix proteoglycan 1; minus strand), MYO6 (myosin VI; plus strand). Cytogenetic location: 6q14.1.
Variant type: Deletion.
Genome position: GRCh38: chr6:75,914,064-75,923,706. GRCh37 (hg19): chr6:76,623,781-76,633,423.
Identifiers: ClinVar variation 4852826 (VCV004852826.1).